The following is an entry in ClinVar:

NM_001776.6(ENTPD1):c.1185G>C (p.Glu395Asp)

Genes: ENTPD1 (ectonucleoside triphosphate diphosphohydrolase 1; plus strand), ENTPD1-AS1 (ENTPD1 antisense RNA 1; minus strand). Cytogenetic location: 10q24.1.
Variant type: single nucleotide variant.
Coding change: c.1185G>C on transcript NM_001776.6 (MANE Select); coding-DNA position 1185, G replaced by C.
Protein change: p.Glu395Asp; replaces glutamic acid 395 with aspartic acid.
Molecular consequence: missense variant.
Genome position (GRCh38, 1-based): chr10:95,860,579, G>C. VCF-style: chr10-95860579-G-C. GRCh37 (hg19) VCF-style: chr10-97620336-G-C.
Other names: c.1206G>C, p.Glu402Asp (NM_001098175.2); c.1221G>C, p.Glu407Asp (NM_001164178.1, NM_001320916.1); c.1062G>C, p.Glu354Asp (NM_001164179.2); c.861G>C, p.Glu287Asp (NM_001164181.1, NM_001312654.1); c.771G>C, p.Glu257Asp (NM_001164182.2, NM_001164183.2); short protein forms E287D, E402D, E407D, E257D, E354D, E395D.
Identifiers: ClinVar variation 1512068 (VCV001512068.4), dbSNP rs374624208, ClinGen allele CA5621560.

ClinVar aggregate classification (germline): Uncertain significance. Review status: criteria provided, multiple submitters, no conflicts (2 of 4 stars). 2 submissions from 2 submitters: Uncertain significance (2). Last evaluated 2024-04-04.

Conditions:
Hereditary spastic paraplegia 64. Also called: ENTPD1-Related Neurodevelopmental Disorder; Spastic paraplegia 64, autosomal recessive. Identifiers: Orphanet 401810, MedGen C3810289, MONDO:0014303, OMIM 615683.
Inborn genetic diseases. Identifiers: MedGen C0950123, MeSH D030342.

Allele frequency attached by ClinVar (database versions not stated): gnomAD 0.00003 and 0.00004; TOPMed 0.00007; ExAC 0.00008; ESP Exome Variant Server 0.00008; gnomAD exomes 0.00008.
gnomAD v4.1: 137 of 1,613,106 alleles (0.0085%); highest among the groups gnomAD compares: Non-Finnish European, 0.0086%; no homozygotes.

Submissions (2):

Ambry Genetics
Classification: Uncertain significance for Inborn genetic diseases. Last evaluated: 2024-04-04. Review status: criteria provided, single submitter. Criteria: Ambry Variant Classification Scheme 2023. Collection method: clinical testing. Allele origin: germline.

Labcorp Genetics (formerly Invitae), Labcorp
Classification: Uncertain significance for Hereditary spastic paraplegia 64. Last evaluated: 2022-03-13. Review status: criteria provided, single submitter. Criteria: Invitae Variant Classification Sherloc (09022015). Collection method: clinical testing. Allele origin: germline.
Comment: This sequence change replaces glutamic acid, which is acidic and polar, with aspartic acid, which is acidic and polar, at codon 395 of the ENTPD1 protein (p.Glu395Asp). This variant is present in population databases (rs374624208, gnomAD 0.1%). This variant has not been reported in the literature in individuals affected with ENTPD1-related conditions. Algorithms developed to predict the effect of missense changes on protein structure and function output the following: SIFT: "Tolerated"; PolyPhen-2: "Benign"; Align-GVGD: "Class C0". The aspartic acid amino acid residue is found in multiple mammalian species, which suggests that this missense change does not adversely affect protein function. In summary, the available evidence is currently insufficient to determine the role of this variant in disease. Therefore, it has been classified as a Variant of Uncertain Significance.